The following is an entry in ClinVar:

NM_000939.4(POMC):c.534G>A (p.Arg178=)

Gene: POMC (proopiomelanocortin; minus strand). Cytogenetic location: 2p23.3.
Variant type: single nucleotide variant.
Coding change: c.534G>A on transcript NM_000939.4 (MANE Select); coding-DNA position 534, G replaced by A.
Protein change: p.Arg178=; no amino-acid change (arginine 178 retained).
Molecular consequence: synonymous variant.
Genome position (GRCh38, 1-based): chr2:25,161,351, C>T on the plus strand (G>A on the coding strand, the complement: POMC is on the minus strand). VCF-style: chr2-25161351-C-T. GRCh37 (hg19) VCF-style: chr2-25384220-C-T.
Other names: c.534G>A, p.Arg178= (NM_001035256.3, NM_001319204.2, NM_001319205.2).
Identifiers: ClinVar variation 3357416 (VCV003357416.1).
Genomic context (GRCh38, chr2:25,161,351, plus strand): 5'-GCCGTCATCGGCAGGGCCGTCGGGGCCATCTCCCTCCCGGAGTCGCTGGCCAGTCAGCTC[C>T]CTCTTGAACTCCAGGGGGAAGGCCTCGGCCGACTCGTCCTCGGCGCCGTTAGGGTACACC-3'
Protein context (NP_000930.1, residues 168-188): SAEAFPLEFK[Arg178=]ELTGQRLREG

ClinVar aggregate classification (germline): Likely benign (0 of 4 stars; one submission).

Conditions:
POMC-related disorder. Also called: POMC-related disorders; POMC-related condition.

gnomAD v4.1: 31 of 1,606,388 alleles (0.0019%); highest among the groups gnomAD compares: Non-Finnish European, 0.0025%; no homozygotes.

Submission:

PreventionGenetics, part of Exact Sciences
Classification: Likely benign for POMC-related condition. Last evaluated: 2021-07-19. Review status: no assertion criteria provided. Collection method: clinical testing. Allele origin: germline.
Comment: This variant is classified as likely benign based on ACMG/AMP sequence variant interpretation guidelines (Richards et al. 2015 PMID: 25741868, with internal and published modifications).